The following is an entry in ClinVar:

NM_181882.3(PRX):c.70G>A (p.Glu24Lys)

Genes: PRX (periaxin; minus strand), LOC130064454 (ATAC-STARR-seq lymphoblastoid active region 14650; plus strand). Cytogenetic location: 19q13.2.
Variant type: single nucleotide variant.
Coding change: c.70G>A on transcript NM_181882.3 (MANE Select); coding-DNA position 70, G replaced by A.
Protein change: p.Glu24Lys; replaces glutamic acid 24 with lysine.
Molecular consequence: missense variant.
Genome position (GRCh38, 1-based): chr19:40,403,820, C>T on the plus strand (G>A on the coding strand, the complement: PRX is on the minus strand). VCF-style: chr19-40403820-C-T. GRCh37 (hg19) VCF-style: chr19-40909727-C-T.
Other names: c.355G>A, p.Glu119Lys (NM_001411127.1); c.70G>A, p.Glu24Lys (NM_020956.2); short protein forms E24K, E119K.
Identifiers: ClinVar variation 3698861 (VCV003698861.2).

ClinVar aggregate classification (germline): Uncertain significance (1 of 4 stars; one submission).

Conditions:
Charcot-Marie-Tooth disease type 4. Also called: Charcot-Marie-Tooth disease, type IV; Charcot-Marie-Tooth, Type 4. Identifiers: Orphanet 64749, MedGen C4082197, MONDO:0018995.

Submission:

Labcorp Genetics (formerly Invitae), Labcorp
Classification: Uncertain significance for Charcot-Marie-Tooth disease type 4. Last evaluated: 2024-09-08. Review status: criteria provided, single submitter. Criteria: Invitae Variant Classification Sherloc (09022015). Collection method: clinical testing. Allele origin: germline.
Comment: This sequence change replaces glutamic acid, which is acidic and polar, with lysine, which is basic and polar, at codon 24 of the PRX protein (p.Glu24Lys). This variant is not present in population databases (gnomAD no frequency). This variant has not been reported in the literature in individuals affected with PRX-related conditions. An algorithm developed to predict the effect of missense changes on protein structure and function (PolyPhen-2) suggests that this variant is likely to be disruptive. In summary, the available evidence is currently insufficient to determine the role of this variant in disease. Therefore, it has been classified as a Variant of Uncertain Significance.